The following is an entry in ClinVar:

ClinVar aggregate classification (germline): Conflicting classifications of pathogenicity. Review status: criteria provided, conflicting classifications (1 of 4 stars). 3 submissions from 3 submitters: Uncertain significance (2); Likely benign (1). Last evaluated 2026-01-01.

Conditions:
Inborn genetic diseases. Identifiers: MedGen C0950123, MeSH D030342.
Duane retraction syndrome 2. Identifiers: Orphanet 233, MedGen C0751083, MONDO:0011444, OMIM 604356.

Allele frequency attached by ClinVar (database versions not stated): gnomAD 0.00001; TOPMed 0.00005; gnomAD exomes 0.00008.
gnomAD v4.1: 121 of 1,607,190 alleles (0.0075%); highest among the groups gnomAD compares: Middle Eastern, 0.13%; 2 homozygotes.

Submissions (3):

CeGaT Center for Human Genetics Tuebingen
Classification: Likely benign. Last evaluated: 2026-01-01. Review status: criteria provided, single submitter. Criteria: CeGaT Center For Human Genetics Tuebingen Variant Classification Criteria Version 2. Collection method: clinical testing. Allele origin: germline. Affected: yes. Observed: 2 variant alleles.
Comment: CHN1: BS2

Ambry Genetics
Classification: Uncertain significance for Inborn genetic diseases. Last evaluated: 2022-12-01. Review status: criteria provided, single submitter. Criteria: Ambry Variant Classification Scheme 2023. Collection method: clinical testing. Allele origin: germline.

Centre for Mendelian Genomics, University Medical Centre Ljubljana
Classification: Uncertain significance for Duane retraction syndrome 2. Last evaluated: 2018-12-13. Review status: criteria provided, single submitter. Criteria: ACMG Guidelines, 2015. Collection method: clinical testing. Allele origin: unknown. Affected: yes.
Comment: This variant was classified as: Uncertain significance. The available evidence on this variant's pathogenicity is insufficient or conflicting. The following ACMG criteria were applied in classifying this variant: PP3.

NM_001822.7(CHN1):c.962G>C (p.Arg321Thr)

Gene: CHN1 (chimerin 1; minus strand). Cytogenetic location: 2q31.1.
Variant type: single nucleotide variant.
Coding change: c.962G>C on transcript NM_001822.7 (MANE Select); coding-DNA position 962, G replaced by C.
Protein change: p.Arg321Thr; replaces arginine 321 with threonine.
Molecular consequence: missense variant. On other transcripts: non-coding transcript variant (1).
Genome position (GRCh38, 1-based): chr2:174,811,513, C>G on the plus strand (G>C on the coding strand, the complement: CHN1 is on the minus strand). VCF-style: chr2-174811513-C-G. GRCh37 (hg19) VCF-style: chr2-175676241-C-G.
Other names: c.884G>C, p.Arg295Thr (NM_001025201.4); c.587G>C, p.Arg196Thr (NM_001206602.2); c.962G>C, p.Arg321Thr (NM_001371513.1); c.1013G>C, p.Arg338Thr (NM_001371514.1); short protein forms R295T, R338T, R196T, R321T.
Identifiers: ClinVar variation 931006 (VCV000931006.8), dbSNP rs202153128, ClinGen allele CA1974863.
Genomic context (GRCh38, chr2:174,811,513, plus strand): 5'-TGCCTTTTTAGAAAAGAGTATTATTGTCCTAAGTTATGGAACATTGTGAAAAACATACCT[C>G]TGTCGAAAGCCATCTTGACATCTTCAATTAGGTCACTAAATCCTGATACTCGGTATAGTC-3'
Protein context (NP_001813.1, residues 311-331): LIEDVKMAFD[Arg321Thr]DGEKADISVN